The following is an entry in ClinVar:

ClinVar aggregate classification (germline): Conflicting classifications of pathogenicity. Review status: criteria provided, conflicting classifications (1 of 4 stars). 3 submissions from 3 submitters: Uncertain significance (2); Likely benign (1). Last evaluated 2026-07-02.

Conditions:
Hereditary breast ovarian cancer syndrome. Also called: Hereditary breast and ovarian cancer; Hereditary breast and ovarian cancer syndrome (HBOC); Hereditary breast and/or ovarian cancer syndrome; Hereditary breast and ovarian cancer syndrome; Breast and ovarian cancer; BRCA1- and BRCA2-Associated Hereditary Breast and Ovarian Cancer. Identifiers: Orphanet 145, MedGen C0677776, MeSH D061325, MONDO:0003582. Disease mechanism: loss of function.
Hereditary cancer-predisposing syndrome. Also called: Tumor predisposition; Hereditary neoplastic syndrome; Neoplastic Syndromes, Hereditary; Hereditary Cancer Syndrome. Identifiers: Orphanet 140162, MedGen C0027672, MeSH D009386, MONDO:0015356.

Submissions (3):

Ambry Genetics
Classification: Uncertain significance for Hereditary cancer-predisposing syndrome. Last evaluated: 2026-07-02. Review status: criteria provided, single submitter. Criteria: Ambry Variant Classification Scheme 2023. Collection method: clinical testing. Allele origin: germline.
Comment: The p.V1181G variant (also known as c.3542T>G), located in coding exon 9 of the BRCA1 gene, results from a T to G substitution at nucleotide position 3542. The valine at codon 1181 is replaced by glycine, an amino acid with dissimilar properties. This amino acid position is conserved. In addition, the in silico prediction for this alteration is inconclusive. Based on the available evidence, the clinical significance of this variant remains unclear.

University of Washington Department of Laboratory Medicine, University of Washington
Classification: Likely benign for Hereditary cancer-predisposing syndrome. Last evaluated: 2023-03-23. Review status: criteria provided, single submitter. Criteria: Dines et al. (Genet Med. 2020). Collection method: curation. Allele origin: germline.
Comment: Missense variant in a coldspot region where missense variants are very unlikely to be pathogenic (PMID:31911673).

BRCA1 coldspot (exon 11 using historical exon numbering). Reclassification based on statistical prior probability

Labcorp Genetics (formerly Invitae), Labcorp
Classification: Uncertain significance for Hereditary breast ovarian cancer syndrome. Last evaluated: 2020-12-30. Review status: criteria provided, single submitter. Criteria: Invitae Variant Classification Sherloc (09022015). Collection method: clinical testing. Allele origin: germline.
Comment: In summary, the available evidence is currently insufficient to determine the role of this variant in disease. Therefore, it has been classified as a Variant of Uncertain Significance. Advanced modeling of protein sequence and biophysical properties (such as structural, functional, and spatial information, amino acid conservation, physicochemical variation, residue mobility, and thermodynamic stability) performed at Invitae indicates that this missense variant is not expected to disrupt BRCA1 protein function. This variant has not been reported in the literature in individuals with BRCA1-related conditions. ClinVar contains an entry for this variant (Variation ID: 847346). This variant is not present in population databases (ExAC no frequency). This sequence change replaces valine with glycine at codon 1181 of the BRCA1 protein (p.Val1181Gly). The valine residue is moderately conserved and there is a moderate physicochemical difference between valine and glycine.

NM_007294.4(BRCA1):c.3542T>G (p.Val1181Gly)

Genes: BRCA1 (BRCA1 DNA repair associated; minus strand), LOC126862571 (BRD4-independent group 4 enhancer GRCh37_chr17:41243136-41244335; plus strand). Cytogenetic location: 17q21.31.
Variant type: single nucleotide variant.
Coding change: c.3542T>G on transcript NM_007294.4 (MANE Select); coding-DNA position 3542, T replaced by G.
Protein change: p.Val1181Gly; replaces valine 1181 with glycine.
Molecular consequence: missense variant. On other transcripts: intron variant (135).
Genome position (GRCh38, 1-based): chr17:43,091,989, A>C on the plus strand (T>G on the coding strand, the complement: BRCA1 is on the minus strand). VCF-style: chr17-43091989-A-C. GRCh37 (hg19) VCF-style: chr17-41244006-A-C.
Other names: c.3329T>G, p.Val1110Gly (NM_001407571.1, NM_001407853.1, NM_001407894.1 and 9 more transcripts); c.3542T>G, p.Val1181Gly (NM_001407581.1, NM_001407582.1, NM_001407583.1 and 30 more transcripts); c.3539T>G, p.Val1180Gly (NM_001407587.1, NM_001407590.1, NM_001407591.1 and 22 more transcripts); c.3533T>G, p.Val1178Gly (NM_001407646.1, NM_001407647.1); c.3419T>G, p.Val1140Gly (NM_001407648.1, NM_001407664.1, NM_001407665.1 and 19 more transcripts); c.3416T>G, p.Val1139Gly (NM_001407649.1, NM_001407670.1, NM_001407671.1 and 11 more transcripts); c.3464T>G, p.Val1155Gly (NM_001407653.1, NM_001407654.1, NM_001407655.1 and 4 more transcripts); c.3461T>G, p.Val1154Gly (NM_001407659.1, NM_001407660.1, NM_001407661.1 and 1 more transcripts); and 41 more; short protein forms V1134G, V1181G, V1053G, V1069G, V1093G, V1070G, V1140G, V1155G.
Identifiers: ClinVar variation 847346 (VCV000847346.14), dbSNP rs80357032, ClinGen allele CA10594881.